The following is an entry in ClinVar:

NM_002299.4(LCT):c.280G>A (p.Ala94Thr)

Gene: LCT (lactase; minus strand). Cytogenetic location: 2q21.3.
Variant type: single nucleotide variant.
Coding change: c.280G>A on transcript NM_002299.4 (MANE Select); coding-DNA position 280, G replaced by A.
Protein change: p.Ala94Thr; replaces alanine 94 with threonine.
Molecular consequence: missense variant.
Genome position (GRCh38, 1-based): chr2:135,836,890, C>T on the plus strand (G>A on the coding strand, the complement: LCT is on the minus strand). VCF-style: chr2-135836890-C-T. GRCh37 (hg19) VCF-style: chr2-136594460-C-T.
Other names: short protein forms A94T.
Identifiers: ClinVar variation 894134 (VCV000894134.9), dbSNP rs139740186, ClinGen allele CA1888669.

ClinVar aggregate classification (germline): Uncertain significance. Review status: criteria provided, multiple submitters, no conflicts (2 of 4 stars). 3 submissions from 3 submitters: Uncertain significance (3). Last evaluated 2024-06-20.

Conditions:
Congenital lactase deficiency. Also called: ALACTASIA, CONGENITAL; DISACCHARIDE INTOLERANCE II. Identifiers: Orphanet 53690, MedGen C0268179, MONDO:0009115, OMIM 223000.

Allele frequency attached by ClinVar (database versions not stated): gnomAD 0.00001; ExAC 0.00002; gnomAD exomes 0.00003 and 0.00006; TOPMed 0.00003; ESP Exome Variant Server 0.00008.
gnomAD v4.1: 84 of 1,613,962 alleles (0.0052%); highest among the groups gnomAD compares: Non-Finnish European, 0.0069%; no homozygotes.

Submissions (3):

Labcorp Genetics (formerly Invitae), Labcorp
Classification: Uncertain significance. Last evaluated: 2024-06-20. Review status: criteria provided, single submitter. Criteria: Invitae Variant Classification Sherloc (09022015). Collection method: clinical testing. Allele origin: germline.
Comment: This sequence change replaces alanine, which is neutral and non-polar, with threonine, which is neutral and polar, at codon 94 of the LCT protein (p.Ala94Thr). This variant is present in population databases (rs139740186, gnomAD 0.006%). This variant has not been reported in the literature in individuals affected with LCT-related conditions. ClinVar contains an entry for this variant (Variation ID: 894134). Algorithms developed to predict the effect of missense changes on protein structure and function output the following: SIFT: "Not Available"; PolyPhen-2: "Benign"; Align-GVGD: "Not Available". The threonine amino acid residue is found in multiple mammalian species, which suggests that this missense change does not adversely affect protein function. In summary, the available evidence is currently insufficient to determine the role of this variant in disease. Therefore, it has been classified as a Variant of Uncertain Significance.

Fulgent Genetics
Classification: Uncertain significance for Congenital lactase deficiency. Last evaluated: 2021-11-22. Review status: criteria provided, single submitter. Criteria: ACMG Guidelines, 2015. Collection method: clinical testing. Allele origin: unknown.

Illumina Laboratory Services, Illumina
Classification: Uncertain significance for Congenital lactase deficiency. Last evaluated: 2018-01-12. Review status: criteria provided, single submitter. Criteria: ICSL Variant Classification Criteria 13 December 2019. Collection method: clinical testing. Allele origin: germline.